The following is an entry in ClinVar:

NM_025074.7(FRAS1):c.3675del (p.Leu1226fs)

Gene: FRAS1 (Fraser extracellular matrix complex subunit 1; plus strand). Cytogenetic location: 4q21.21.
Variant type: Deletion.
Coding change: c.3675del on transcript NM_025074.7 (MANE Select); coding-DNA position 3675, one base deleted (T; older notation c.3675delT).
Protein change: p.Leu1226fs; shifts the reading frame from leucine 1226.
Molecular consequence: frameshift variant.
Genome position (GRCh38, 1-based): chr4:78,387,401, T deleted; the last of 2 consecutive T bases (chr4:78,387,400-78,387,401); deleting either gives the same sequence. VCF-style (leftmost placement, unchanged base first): chr4-78387399-GT-G. GRCh37 (hg19) VCF-style: chr4-79308553-GT-G.
Other names: c.3675del, p.Leu1226fs (NM_001166133.2); short protein forms L1226fs.
Identifiers: ClinVar variation 545924 (VCV000545924.2), dbSNP rs1233923207, ClinGen allele CA658823259.

ClinVar aggregate classification (germline): Likely pathogenic (1 of 4 stars; one submission).

Submission:

GeneDx
Classification: Likely pathogenic. Last evaluated: 2018-05-17. Review status: criteria provided, single submitter. Criteria: GeneDx Variant Classification (06012015). Collection method: clinical testing. Allele origin: germline. Affected: yes.
Comment: The c.3675delT variant in the FRAS1 gene has not been reported previously as a pathogenic variant nor as a benign variant, to our knowledge. The 3675delT variant causes a frameshift starting with codon Leucine 1226, changes this amino acid to a Serine residue, and creates a premature Stop codon at position 31 of the new reading frame, denoted p.Leu1226SerfsX31. This variant is predicted to cause loss of normal protein function either through protein truncation or nonsense-mediated mRNA decay. The 3675delT variant is not observed in large population cohorts (Lek et al., 2016). We interpret 3675delT as a likely pathogenic variant.